The following is an entry in ClinVar:

ClinVar aggregate classification (germline): Benign. Review status: criteria provided, multiple submitters, no conflicts (2 of 4 stars). 11 submissions from 11 submitters: Benign (8). 3 of the submissions do not count toward it. Last evaluated 2026-02-02.

Conditions:
PRDM16-related disorder. Also called: PRDM16-related condition.
Left ventricular noncompaction 8 (LVNC8). Identifiers: Orphanet 154, Orphanet 54260, MedGen C3809288, MONDO:0014152, OMIM 615373.

Allele frequency attached by ClinVar (database versions not stated): gnomAD 0.00952 and 0.00977; gnomAD exomes 0.00996 and 0.01560; 1000 Genomes Project 0.01158; TOPMed 0.01195; 1000 Genomes Project 30x 0.01202; ExAC 0.01428; ESP Exome Variant Server 0.00837.
gnomAD v4.1: 16,005 of 1,612,968 alleles (0.99%); highest among the groups gnomAD compares: Admixed American, 5%; 157 homozygotes.

Submissions (11):

Labcorp Genetics (formerly Invitae), Labcorp
Classification: Benign for Left ventricular noncompaction 8. Last evaluated: 2026-02-02. Review status: criteria provided, single submitter. Criteria: Invitae Variant Classification Sherloc (09022015). Collection method: clinical testing. Allele origin: germline.

ARUP Laboratories, Molecular Genetics and Genomics, ARUP Laboratories
Classification: Benign. Last evaluated: 2025-05-05. Review status: criteria provided, single submitter. Criteria: ARUP Molecular Germline Variant Investigation Process 2024. Collection method: clinical testing. Allele origin: germline.

Blueprint Genetics
Classification: Benign. Last evaluated: 2024-11-26. Review status: criteria provided, single submitter. Criteria: ACMG Guidelines, 2015. Collection method: clinical testing. Allele origin: germline.

Women's Health and Genetics/Laboratory Corporation of America, LabCorp
Classification: Benign. Last evaluated: 2023-04-26. Review status: criteria provided, single submitter. Criteria: LabCorp Variant Classification Summary - May 2015. Collection method: clinical testing. Allele origin: germline.

Mayo Clinic Laboratories, Mayo Clinic
Classification: Benign. Last evaluated: 2023-04-06. Review status: criteria provided, single submitter. Criteria: ACMG Guidelines, 2015. Collection method: clinical testing. Allele origin: germline. Observed: 14 variant alleles.

GeneDx
Classification: Benign. Last evaluated: 2016-10-04. Review status: criteria provided, single submitter. Criteria: GeneDx Variant Classification (06012015). Collection method: clinical testing. Allele origin: germline. Affected: yes.
Comment: This variant is considered likely benign or benign based on one or more of the following criteria: it is a conservative change, it occurs at a poorly conserved position in the protein, it is predicted to be benign by multiple in silico algorithms, and/or has population frequency not consistent with disease.

Laboratory for Molecular Medicine, Mass General Brigham Personalized Medicine
Classification: Benign. Last evaluated: 2014-11-24. Review status: criteria provided, single submitter. Criteria: LMM Criteria. Collection method: clinical testing. Allele origin: germline. Observed: 12 variant alleles.
Comment: Tyr261Tyr in exon 6 of PRDM16: This variant is not expected to have clinical sig nificance because it does not alter an amino acid residue and is not located wit hin the splice consensus sequence. It has been identified in 1.1% (91/8512) of E uropean American chromosomes from a broad population by the NHLBI Exome Sequenci ng Project (dbSNP rs61756439).

Breakthrough Genomics
Classification: Benign. Review status: criteria provided, single submitter. Criteria: ACMG Guidelines, 2015. Collection method: not provided. Allele origin: germline. Inheritance: Autosomal dominant inheritance. Affected: yes.

PreventionGenetics, part of Exact Sciences
Classification: Benign for PRDM16-related condition. Last evaluated: 2019-04-18. Review status: no assertion criteria provided. Collection method: clinical testing. Allele origin: germline. Not counted in ClinVar's aggregate classification.
Comment: This variant is classified as benign based on ACMG/AMP sequence variant interpretation guidelines (Richards et al. 2015 PMID: 25741868, with internal and published modifications).

Clinical Genetics, Academic Medical Center
Classification: Benign. Review status: no assertion criteria provided. Collection method: clinical testing. Allele origin: germline. Affected: yes. Study: VKGL Data-share Consensus. Not counted in ClinVar's aggregate classification.

Joint Genome Diagnostic Labs from Nijmegen and Maastricht, Radboudumc and MUMC+
Classification: Benign. Review status: no assertion criteria provided. Collection method: clinical testing. Allele origin: germline. Affected: yes. Study: VKGL Data-share Consensus. Not counted in ClinVar's aggregate classification.

NM_022114.4(PRDM16):c.783C>T (p.Tyr261=)

Gene: PRDM16 (PR/SET domain 16; plus strand). Cytogenetic location: 1p36.32.
Variant type: single nucleotide variant.
Coding change: c.783C>T on transcript NM_022114.4 (MANE Select); coding-DNA position 783, C replaced by T.
Protein change: p.Tyr261=; no amino-acid change (tyrosine 261 retained).
Molecular consequence: synonymous variant.
Genome position (GRCh38, 1-based): chr1:3,402,897, C>T. VCF-style: chr1-3402897-C-T. GRCh37 (hg19) VCF-style: chr1-3319461-C-T.
Other names: p.Tyr261=; c.783C>T, p.Tyr261= (NM_199454.3).
Identifiers: ClinVar variation 227043 (VCV000227043.26), dbSNP rs61756439, ClinGen allele CA543960.